The following is an entry in ClinVar:

ClinVar aggregate classification (germline): Benign. Review status: criteria provided, multiple submitters, no conflicts (2 of 4 stars). 2 submissions from 2 submitters: Benign (2). Last evaluated 2018-06-14.

Allele frequency attached by ClinVar (database versions not stated): 1000 Genomes Project 0.03474; 1000 Genomes Project 30x 0.03623; TOPMed 0.07720; gnomAD 0.08202 and 0.08442; gnomAD exomes 0.09837.
gnomAD v4.1: 38,334 of 415,518 alleles (9.2%); highest among the groups gnomAD compares: Non-Finnish European, 13%; 2,347 homozygotes.

Submissions (2):

GeneDx
Classification: Benign. Last evaluated: 2018-06-14. Review status: criteria provided, single submitter. Criteria: GeneDx Variant Classification (06012015). Collection method: clinical testing. Allele origin: germline. Affected: yes.
Comment: This variant is considered likely benign or benign based on one or more of the following criteria: it is a conservative change, it occurs at a poorly conserved position in the protein, it is predicted to be benign by multiple in silico algorithms, and/or has population frequency not consistent with disease.

Breakthrough Genomics
Classification: Benign. Review status: criteria provided, single submitter. Criteria: ACMG Guidelines, 2015. Collection method: not provided. Allele origin: germline. Inheritance: Autosomal dominant inheritance. Affected: yes.

NM_020774.4(MIB1):c.1372-207T>A

Gene: MIB1 (MIB E3 ubiquitin protein ligase 1; plus strand). Cytogenetic location: 18q11.2.
Variant type: single nucleotide variant.
Coding change: c.1372-207T>A on transcript NM_020774.4 (MANE Select); 207 bases into the intron before coding-DNA position 1372, T replaced by A.
Molecular consequence: intron variant.
Genome position (GRCh38, 1-based): chr18:21,803,700, T>A. VCF-style: chr18-21803700-T-A. GRCh37 (hg19) VCF-style: chr18-19383661-T-A.
Identifiers: ClinVar variation 678517 (VCV000678517.2), dbSNP rs11083356, ClinGen allele CA14511385.